The following is an entry in ClinVar:

NM_005732.4(RAD50):c.2037A>T (p.Ser679=)

Gene: RAD50 (RAD50 double strand break repair protein; plus strand). Cytogenetic location: 5q31.1.
Variant type: single nucleotide variant.
Coding change: c.2037A>T on transcript NM_005732.4 (MANE Select); coding-DNA position 2037, A replaced by T.
Protein change: p.Ser679=; no amino-acid change (serine 679 retained).
Molecular consequence: synonymous variant.
Genome position (GRCh38, 1-based): chr5:132,595,640, A>T. VCF-style: chr5-132595640-A-T. GRCh37 (hg19) VCF-style: chr5-131931332-A-T.
Identifiers: ClinVar variation 4533092 (VCV004533092.1).

ClinVar aggregate classification (germline): Uncertain significance (1 of 4 stars; one submission).

Submission:

Quest Diagnostics Nichols Institute San Juan Capistrano
Classification: Uncertain significance. Last evaluated: 2025-03-12. Review status: criteria provided, single submitter. Criteria: Quest Diagnostics criteria. Collection method: clinical testing. Allele origin: unknown.
Comment: The RAD50 c.2037A>T (p.Ser679=) synonymous variant has not been reported in individuals with RAD50-related conditions in the published literature. It also has not been reported in large, multi-ethnic general populations (Genome Aggregation Database). Analysis of this variant using software algorithms for the prediction of the effect of nucleotide changes on splicing yielded predictions that this variant does not affect RAD50 mRNA splicing. Based on the available information, we are unable to determine the clinical significance of this variant.